The following is an entry in ClinVar:

ClinVar aggregate classification (germline): Uncertain significance (1 of 4 stars; one submission).

gnomAD v4.1: 1 of 1,614,052 alleles (0.000062%); highest among the groups gnomAD compares: African/African-American, 0.0013%; no homozygotes.

Submission:

Dasa
Classification: Uncertain significance. Last evaluated: 2024-11-23. Review status: criteria provided, single submitter. Criteria: DASA Assertion Criteria. Collection method: clinical testing. Allele origin: germline.
Comment: NM_032217.5(ANKRD17):c.5872C>G (p.Gln1958Glu) is a missense variant that results in the substitution of glutamine with glutamic acid. This variant is rare in population databases. Computational prediction algorithms are consistent with a benign effect. The currently available literature and clinical evidence are not sufficient to establish a definitive association between this variant and the reported condition. Therefore, this variant is classified as a variant of uncertain significance.

NM_032217.5(ANKRD17):c.5872C>G (p.Gln1958Glu)

Gene: ANKRD17 (ankyrin repeat domain 17; minus strand). Cytogenetic location: 4q13.3.
Variant type: single nucleotide variant.
Coding change: c.5872C>G on transcript NM_032217.5 (MANE Select); coding-DNA position 5872, C replaced by G.
Protein change: p.Gln1958Glu; replaces glutamine 1958 with glutamic acid.
Molecular consequence: missense variant.
Genome position (GRCh38, 1-based): chr4:73,091,756, G>C on the plus strand (C>G on the coding strand, the complement: ANKRD17 is on the minus strand). VCF-style: chr4-73091756-G-C. GRCh37 (hg19) VCF-style: chr4-73957473-G-C.
Other names: c.5533C>G, p.Gln1845Glu (NM_001286771.3); c.5869C>G, p.Gln1957Glu (NM_015574.2); c.5119C>G, p.Gln1707Glu (NM_198889.3); short protein forms Q1707E, Q1845E, Q1957E, Q1958E.
Identifiers: ClinVar variation 5021039 (VCV005021039.1).